The following is an entry in ClinVar:

NM_080546.5(SLC44A1):c.377_380del (p.Ser126fs)

Gene: SLC44A1 (solute carrier family 44 member 1; plus strand). Cytogenetic location: 9q31.1.
Variant type: Deletion.
Coding change: c.377_380del on transcript NM_080546.5 (MANE Select); coding-DNA positions 377 to 380, 4 bases deleted (GTGA; older notation c.377_380delGTGA).
Protein change: p.Ser126fs; shifts the reading frame from serine 126.
Molecular consequence: frameshift variant.
Genome position (GRCh38, 1-based): chr9:105,335,670-105,335,673, GTGA deleted; deleting any 4 consecutive bases within chr9:105,335,667-105,335,673 gives the same sequence; the c. name uses the placement nearest the transcript's 3' end. VCF-style (leftmost placement, unchanged base first): chr9-105335666-CTGAG-C. GRCh37 (hg19) VCF-style: chr9-108097947-CTGAG-C.
Other names: c.377_380del, p.Ser126fs (NM_001286730.2, NM_001330731.2); short protein forms S126fs.
Identifiers: ClinVar variation 870503 (VCV000870503.2), dbSNP rs1826893287, ClinGen allele CA1139661120.

ClinVar aggregate classification (germline): Pathogenic. Review status: no assertion criteria provided (0 of 4 stars). 2 submissions from 2 submitters: Pathogenic (2). Last evaluated 2021-03-07.

Conditions:
Neurodegeneration, childhood-onset, with ataxia, tremor, optic atrophy, and cognitive decline. Identifiers: MedGen C5394335, MONDO:0030028, OMIM 618868.

Submissions (2):

Institute of Human Genetics, University of Leipzig Medical Center
Classification: Pathogenic for Neurodegeneration, childhood-onset, with ataxia, tremor, optic atrophy, and cognitive decline. Last evaluated: 2021-03-07. Review status: no assertion criteria provided. Collection method: clinical testing. Allele origin: germline. Inheritance: Autosomal recessive inheritance. Affected: yes.
Comment: Review of the variants reported in Reuter et al., 2017, PMID: 28097321: PVS1,PM2

OMIM
Classification: Pathogenic for NEURODEGENERATION, CHILDHOOD-ONSET, WITH ATAXIA, TREMOR, OPTIC ATROPHY, AND COGNITIVE DECLINE. Last evaluated: 2020-05-04. Review status: no assertion criteria provided. Collection method: literature only. Allele origin: germline.

Literature cited by the submitters: PubMed 28097321 (cited by Institute of Human Genetics, University of Leipzig Medical Center and OMIM); PubMed 31855247 (cited by OMIM).